The following is an entry in ClinVar:

ClinVar aggregate classification (germline): Uncertain significance (1 of 4 stars; one submission).

Conditions:
Growth delay due to insulin-like growth factor I resistance. Also called: IGF-I RESISTANCE; Somatomedin end-organ insensitivity to; Somatomedin-c resistance to; IGF-1 resistance; Insulin-Like Growth Factor I Resistance. Identifiers: Orphanet 73273, MedGen C1849157, MONDO:0010038, OMIM 270450.

Submission:

3billion
Classification: Uncertain significance for Growth delay due to insulin-like growth factor I resistance. Last evaluated: 2025-05-16. Review status: criteria provided, single submitter. Criteria: ACMG Guidelines, 2015. Collection method: clinical testing. Allele origin: germline. Affected: yes.
Comment: The variant is not observed in the gnomAD v4.1.0 dataset. Predicted Consequence/Location: Missense variant In silico tool predictions suggest damaging effect of the variant on gene or gene product [REVEL: 0.94 (>=0.6, sensitivity 0.68 and specificity 0.92)]. Therefore, this variant is classified as VUS according to the recommendation of ACMG/AMP guideline.

NM_000875.5(IGF1R):c.1294T>A (p.Trp432Arg)

Gene: IGF1R (insulin like growth factor 1 receptor; plus strand). Cytogenetic location: 15q26.3.
Variant type: single nucleotide variant.
Coding change: c.1294T>A on transcript NM_000875.5 (MANE Select); coding-DNA position 1294, T replaced by A.
Protein change: p.Trp432Arg; replaces tryptophan 432 with arginine.
Molecular consequence: missense variant.
Genome position (GRCh38, 1-based): chr15:98,908,731, T>A. VCF-style: chr15-98908731-T-A. GRCh37 (hg19) VCF-style: chr15-99451960-T-A.
Other names: c.1294T>A, p.Trp432Arg (NM_001291858.2); short protein forms W432R.
Identifiers: ClinVar variation 4855016 (VCV004855016.1).